The following is an entry in ClinVar:

NM_014714.4(IFT140):c.4144C>T (p.Leu1382=)

Gene: IFT140 (intraflagellar transport 140; minus strand). Cytogenetic location: 16p13.3.
Variant type: single nucleotide variant.
Coding change: c.4144C>T on transcript NM_014714.4 (MANE Select); coding-DNA position 4144, C replaced by T.
Protein change: p.Leu1382=; no amino-acid change (leucine 1382 retained).
Molecular consequence: synonymous variant.
Genome position (GRCh38, 1-based): chr16:1,518,254, G>A on the plus strand (C>T on the coding strand, the complement: IFT140 is on the minus strand). VCF-style: chr16-1518254-G-A. GRCh37 (hg19) VCF-style: chr16-1568255-G-A.
Other names: c.4144C>T (NM_014714.3).
Identifiers: ClinVar variation 1086802 (VCV001086802.12), dbSNP rs139458566, ClinGen allele CA7812892.

ClinVar aggregate classification (germline): Likely benign. Review status: criteria provided, multiple submitters, no conflicts (2 of 4 stars). 4 submissions from 4 submitters: Likely benign (4). Last evaluated 2025-05-27.

Conditions:
IFT140-related disorder. Also called: IFT140-related condition.
Saldino-Mainzer syndrome (SRTD9). Also called: short-rib thoracic dysplasia 9 with or without polydactyly; CONORENAL SYNDROME; Renal dysplasia, retinal pigmentary dystrophy, cerebellar ataxia and skeletal dysplasia; SHORT-RIB THORACIC DYSPLASIA 9 WITHOUT POLYDACTYLY. Identifiers: Orphanet 140969, MedGen C1849437, MONDO:0009964, OMIM 266920.
Retinitis pigmentosa 80 (RP80). Identifiers: MedGen C4540439, MONDO:0054708, OMIM 617781.

Allele frequency attached by ClinVar (database versions not stated): gnomAD exomes 0.00001 and 0.00004; ExAC 0.00007; gnomAD 0.00019 and 0.00021; 1000 Genomes Project 0.00020; ESP Exome Variant Server 0.00023; TOPMed 0.00023; 1000 Genomes Project 30x 0.00031.
gnomAD v4.1: 47 of 1,614,140 alleles (0.0029%); highest among the groups gnomAD compares: African/African-American, 0.053%; no homozygotes.

Submissions (4):

PreventionGenetics, part of Exact Sciences
Classification: Likely benign for IFT140-related condition. Last evaluated: 2025-05-27. Review status: criteria provided, single submitter. Criteria: ACMG Guidelines, 2015. Collection method: clinical testing. Allele origin: germline.
Comment: This variant is classified as likely benign based on ACMG/AMP sequence variant interpretation guidelines (Richards et al. 2015 PMID: 25741868, with internal and published modifications).

Labcorp Genetics (formerly Invitae), Labcorp
Classification: Likely benign for Saldino-Mainzer syndrome. Last evaluated: 2025-03-20. Review status: criteria provided, single submitter. Criteria: Invitae Variant Classification Sherloc (09022015). Collection method: clinical testing. Allele origin: germline.

Blueprint Genetics
Classification: Likely benign. Last evaluated: 2024-07-19. Review status: criteria provided, single submitter. Criteria: ACMG Guidelines, 2015. Collection method: clinical testing. Allele origin: germline.

Fulgent Genetics
Classification: Likely benign for Saldino-Mainzer syndrome; Retinitis pigmentosa 80. Last evaluated: 2022-02-03. Review status: criteria provided, single submitter. Criteria: ACMG Guidelines, 2015. Collection method: clinical testing. Allele origin: unknown.